The following is an entry in ClinVar:

ClinVar aggregate classification (germline): Conflicting classifications of pathogenicity. Review status: criteria provided, conflicting classifications (1 of 4 stars). 8 submissions from 8 submitters: Likely pathogenic (3); Uncertain significance (2). 3 of the submissions do not count toward it. Last evaluated 2024-11-28.

Conditions:
Combined oxidative phosphorylation defect type 30. Also called: Combined oxidative phosphorylation deficiency 30. Identifiers: Orphanet 478042, MedGen C5567605, MONDO:0014856, OMIM 616974.
TRMT10C-related disorder. Also called: TRMT10C-related condition.
Mitochondrial disease. Also called: Mitochondrial disorder; Mitochondrial disorders. Identifiers: Orphanet 68380, MedGen C0751651, MeSH D028361, MONDO:0044970.

Allele frequency attached by ClinVar (database versions not stated): ExAC 0.00008; ESP Exome Variant Server 0.00008; gnomAD 0.00013; TOPMed 0.00019.
gnomAD v4.1: 196 of 1,613,354 alleles (0.012%); highest among the groups gnomAD compares: Admixed American, 0.035%; no homozygotes.

Submissions (8):

Labcorp Genetics (formerly Invitae), Labcorp
Classification: Uncertain significance. Last evaluated: 2024-11-28. Review status: criteria provided, single submitter. Criteria: Invitae Variant Classification Sherloc (09022015). Collection method: clinical testing. Allele origin: germline.
Comment: This sequence change replaces arginine, which is basic and polar, with leucine, which is neutral and non-polar, at codon 181 of the TRMT10C protein (p.Arg181Leu). This variant is present in population databases (rs199730889, gnomAD 0.04%). This missense change has been observed in individual(s) with TRMT10C-related conditions (PMID: 27132592, 33886802). ClinVar contains an entry for this variant (Variation ID: 224316). Invitae Evidence Modeling of protein sequence and biophysical properties (such as structural, functional, and spatial information, amino acid conservation, physicochemical variation, residue mobility, and thermodynamic stability) indicates that this missense variant is not expected to disrupt TRMT10C protein function with a negative predictive value of 80%. In summary, the available evidence is currently insufficient to determine the role of this variant in disease. Therefore, it has been classified as a Variant of Uncertain Significance.

Women's Health and Genetics/Laboratory Corporation of America, LabCorp
Classification: Uncertain significance. Last evaluated: 2024-04-05. Review status: criteria provided, single submitter. Criteria: LabCorp Variant Classification Summary - May 2015. Collection method: clinical testing. Allele origin: germline.
Comment: Variant summary: RG9MTD1 c.542G>T (p.Arg181Leu) results in a non-conservative amino acid change in the encoded protein sequence. Four of five in-silico tools predict a benign effect of the variant on protein function. c.542G>T has been reported in the literature in two individuals affected with birth-onset multiple respiratory chain deficiencies via WES (Metodiev_2016). These data indicate that the variant may be associated with disease. At least one publication reports experimental evidence evaluating an impact on protein function. Decreased protein levels of RG9MTD1, an increase in mt-RNA precursors and defective mitochondrial protein synthesis were found using fibroblasts from the patient carrying the homozygous variant (Metodiev_2016). The following publication has been ascertained in the context of this evaluation (PMID: 27132592). ClinVar contains an entry for this variant (Variation ID: 224316). The gene-disease association of RG9MTD1 and Combined Oxidative Phosphorylation Defect Type 30 has not been fully established. Based on the evidence outlined above, the variant was classified as VUS-possibly pathogenic.

Mayo Clinic Laboratories, Mayo Clinic
Classification: Likely pathogenic. Last evaluated: 2023-08-29. Review status: criteria provided, single submitter. Criteria: ACMG Guidelines, 2015. Collection method: clinical testing. Allele origin: germline. Observed: 2 variant alleles.
Comment: BP4, PP4, PM2_moderate, PM3_strong

Department of Pathology and Laboratory Medicine, Sinai Health System
Classification: Likely pathogenic for Combined oxidative phosphorylation defect type 30. Last evaluated: 2023-07-07. Review status: criteria provided, single submitter. Criteria: ACMG Guidelines, 2015. Collection method: research. Allele origin: germline.

Laboratorio de Genetica e Diagnostico Molecular, Hospital Israelita Albert Einstein
Classification: Likely pathogenic. Last evaluated: 2020-04-02. Review status: criteria provided, single submitter. Criteria: ACMG Guidelines, 2015. Collection method: clinical testing. Allele origin: germline. Affected: yes.
Comment: ACMG classification criteria: PS3, PS4, PM2, PM3

PreventionGenetics, part of Exact Sciences
Classification: Pathogenic for TRMT10C-related condition. Last evaluated: 2024-09-18. Review status: no assertion criteria provided. Collection method: clinical testing. Allele origin: germline. Not counted in ClinVar's aggregate classification.
Comment: The TRMT10C c.542G>T variant is predicted to result in the amino acid substitution p.Arg181Leu. This variant has been reported in the homozygous and compound heterozygous state in three unrelated individuals presenting at birth with lactic acidosis, hypotonia, feeding difficulties, deafness, and brain abnormalities consistent with combined oxidative phosphorylation deficiency (Metodiev et al. 2016. PubMed ID: 27132592; Camelo et al. 2021. PubMed ID: 33886802). Patient derived fibroblast cell lines exhibited decreased MRPP1 (TRMT10C protein) levels, impaired mt-tRNA processing and defective mitochondrial protein synthesis, which was rescued by introduction of wild-type TRMT10C (Metodiev et al. 2016. PubMed ID: 27132592). This variant is reported in 0.034% of alleles in individuals of Latino descent in gnomAD. This variant is interpreted as pathogenic.

OMIM
Classification: Pathogenic for COMBINED OXIDATIVE PHOSPHORYLATION DEFICIENCY 30. Last evaluated: 2019-09-10. Review status: no assertion criteria provided. Collection method: literature only. Allele origin: germline. Not counted in ClinVar's aggregate classification.

Mitochondrial Research Group, Newcastle University
Classification: Pathogenic for Mitochondrial disease. Last evaluated: 2016-03-08. Review status: no assertion criteria provided. Collection method: clinical testing. Allele origin: germline. Affected: yes. Observed: 2 variant alleles. Not counted in ClinVar's aggregate classification.

Literature cited by the submitters: PubMed 27132592 (cited by 5 submitters); PubMed 33886802 (cited by Labcorp Genetics (formerly Invitae), Labcorp and Mayo Clinic Laboratories, Mayo Clinic); PubMed 34489609 (cited by Mayo Clinic Laboratories, Mayo Clinic).

NM_017819.4(TRMT10C):c.542G>T (p.Arg181Leu)

Gene: TRMT10C (tRNA methyltransferase 10C, mitochondrial RNase P subunit; plus strand). Cytogenetic location: 3q12.3.
Variant type: single nucleotide variant.
Coding change: c.542G>T on transcript NM_017819.4 (MANE Select); coding-DNA position 542, G replaced by T.
Protein change: p.Arg181Leu; replaces arginine 181 with leucine.
Molecular consequence: missense variant.
Genome position (GRCh38, 1-based): chr3:101,565,323, G>T. VCF-style: chr3-101565323-G-T. GRCh37 (hg19) VCF-style: chr3-101284167-G-T.
Other names: short protein forms R181L.
Identifiers: ClinVar variation 224316 (VCV000224316.11), dbSNP rs199730889, ClinGen allele CA2520544.